The following is an entry in ClinVar:

ClinVar aggregate classification (germline): Uncertain significance. Review status: criteria provided, single submitter (1 of 4 stars). 2 submissions from 2 submitters: Uncertain significance (1). 1 of the submissions does not count toward it. Last evaluated 2022-05-11.

Conditions:
MYO5B-related disorder. Also called: MYO5B-related condition.

Allele frequency attached by ClinVar (database versions not stated): gnomAD exomes 0.00002 and 0.00003; ExAC 0.00004; TOPMed 0.00004; gnomAD 0.00005 and 0.00006; ESP Exome Variant Server 0.00016.
gnomAD v4.1: 57 of 1,613,934 alleles (0.0035%); highest among the groups gnomAD compares: East Asian, 0.0045%; no homozygotes.

Submissions (2):

Labcorp Genetics (formerly Invitae), Labcorp
Classification: Uncertain significance. Last evaluated: 2022-05-11. Review status: criteria provided, single submitter. Criteria: Invitae Variant Classification Sherloc (09022015). Collection method: clinical testing. Allele origin: germline.
Comment: This sequence change replaces arginine, which is basic and polar, with glutamine, which is neutral and polar, at codon 1510 of the MYO5B protein (p.Arg1510Gln). This variant is present in population databases (rs199865159, gnomAD 0.007%). This variant has not been reported in the literature in individuals affected with MYO5B-related conditions. Algorithms developed to predict the effect of missense changes on protein structure and function are either unavailable or do not agree on the potential impact of this missense change (SIFT: "Deleterious"; PolyPhen-2: "Probably Damaging"; Align-GVGD: "Class C0"). Algorithms developed to predict the effect of sequence changes on RNA splicing suggest that this variant may create or strengthen a splice site. In summary, the available evidence is currently insufficient to determine the role of this variant in disease. Therefore, it has been classified as a Variant of Uncertain Significance.

PreventionGenetics, part of Exact Sciences
Classification: Uncertain significance for MYO5B-related condition. Last evaluated: 2024-08-11. Review status: no assertion criteria provided. Collection method: clinical testing. Allele origin: germline. Not counted in ClinVar's aggregate classification.
Comment: The MYO5B c.4529G>A variant is predicted to result in the amino acid substitution p.Arg1510Gln. To our knowledge, this variant has not been reported in the literature. This variant is reported in 0.0053% of alleles in individuals of European (Non-Finnish) descent in gnomAD. At this time, the clinical significance of this variant is uncertain due to the absence of conclusive functional and genetic evidence.

NM_001080467.3(MYO5B):c.4529G>A (p.Arg1510Gln)

Genes: MYO5B (myosin VB; minus strand), SNHG22 (small nucleolar RNA host gene 22; plus strand). Cytogenetic location: 18q21.1.
Variant type: single nucleotide variant.
Coding change: c.4529G>A on transcript NM_001080467.3 (MANE Select); coding-DNA position 4529, G replaced by A.
Protein change: p.Arg1510Gln; replaces arginine 1510 with glutamine.
Molecular consequence: missense variant.
Genome position (GRCh38, 1-based): chr18:49,843,323, C>T on the plus strand (G>A on the coding strand, the complement: MYO5B is on the minus strand). VCF-style: chr18-49843323-C-T. GRCh37 (hg19) VCF-style: chr18-47369693-C-T.
Other names: c.4529G>A (NM_001080467.2); short protein forms R1510Q.
Identifiers: ClinVar variation 1449966 (VCV001449966.6), dbSNP rs199865159, ClinGen allele CA8960325.